The following is an entry in ClinVar:

ClinVar aggregate classification (germline): Uncertain significance (1 of 4 stars; one submission).

Conditions:
Fanconi anemia (FA). Also called: Fanconi's anemia. Identifiers: Orphanet 84, MedGen C0015625, MeSH D005199, MONDO:0019391.

Submission:

Labcorp Genetics (formerly Invitae), Labcorp
Classification: Uncertain significance for Fanconi anemia. Last evaluated: 2020-12-31. Review status: criteria provided, single submitter. Criteria: Invitae Variant Classification Sherloc (09022015). Collection method: clinical testing. Allele origin: germline.
Comment: In summary, the available evidence is currently insufficient to determine the role of this variant in disease. Therefore, it has been classified as a Variant of Uncertain Significance. Algorithms developed to predict the effect of missense changes on protein structure and function output the following: SIFT: "Tolerated"; PolyPhen-2: "Benign"; Align-GVGD: "Class C0". The threonine amino acid residue is found in multiple mammalian species, suggesting that this missense change does not adversely affect protein function. These predictions have not been confirmed by published functional studies and their clinical significance is uncertain. This variant has not been reported in the literature in individuals with FANCC-related conditions. This variant is not present in population databases (ExAC no frequency). This sequence change replaces alanine with threonine at codon 378 of the FANCC protein (p.Ala378Thr). The alanine residue is moderately conserved and there is a small physicochemical difference between alanine and threonine.

NM_000136.3(FANCC):c.1132G>A (p.Ala378Thr)

Genes: AOPEP (aminopeptidase O (putative); plus strand), FANCC (FA complementation group C; minus strand). Cytogenetic location: 9q22.32.
Variant type: single nucleotide variant.
Coding change: c.1132G>A on transcript NM_000136.3 (MANE Select); coding-DNA position 1132, G replaced by A.
Protein change: p.Ala378Thr; replaces alanine 378 with threonine.
Molecular consequence: missense variant.
Genome position (GRCh38, 1-based): chr9:95,114,651, C>T on the plus strand (G>A on the coding strand, the complement: FANCC is on the minus strand). VCF-style: chr9-95114651-C-T. GRCh37 (hg19) VCF-style: chr9-97876933-C-T.
Other names: c.1132G>A, p.Ala378Thr (NM_001243743.2, NM_001243744.2); short protein forms A378T.
Identifiers: ClinVar variation 1475864 (VCV001475864.8), dbSNP rs2134630989, ClinGen allele CA374107947.